The following is an entry in ClinVar:

ClinVar aggregate classification (germline): Uncertain significance. Review status: criteria provided, single submitter (1 of 4 stars). 2 submissions from 2 submitters: Uncertain significance (1). 1 of the submissions does not count toward it. Last evaluated 2021-08-31.

Conditions:
Nemaline myopathy 2 (NEM2). Also called: Nemaline myopathy 2, autosomal recessive. Identifiers: MedGen C1850569, MONDO:0009725, OMIM 256030.

Allele frequency attached by ClinVar (database versions not stated): gnomAD exomes below 0.00001.
gnomAD v4.1: 1 of 1,613,810 alleles (0.000062%); highest among the groups gnomAD compares: Non-Finnish European, 0.000085%; no homozygotes.

Submissions (2):

Labcorp Genetics (formerly Invitae), Labcorp
Classification: Uncertain significance for Nemaline myopathy 2. Last evaluated: 2021-08-31. Review status: criteria provided, single submitter. Criteria: Invitae Variant Classification Sherloc (09022015). Collection method: clinical testing. Allele origin: germline.
Comment: This sequence change replaces serine with leucine at codon 1854 of the NEB protein (p.Ser1854Leu). The serine residue is moderately conserved and there is a large physicochemical difference between serine and leucine. This variant is not present in population databases (ExAC no frequency). This variant has not been reported in the literature in individuals affected with NEB-related conditions. ClinVar contains an entry for this variant (Variation ID: 465615). Algorithms developed to predict the effect of missense changes on protein structure and function are either unavailable or do not agree on the potential impact of this missense change (SIFT: "Deleterious"; PolyPhen-2: "Not Available"; Align-GVGD: "Class C0"). In summary, the available evidence is currently insufficient to determine the role of this variant in disease. Therefore, it has been classified as a Variant of Uncertain Significance.

Natera, Inc.
Classification: Uncertain significance for Nemaline myopathy type 2. Last evaluated: 2020-09-18. Review status: no assertion criteria provided. Collection method: clinical testing. Allele origin: germline. Not counted in ClinVar's aggregate classification.

NM_001164508.2(NEB):c.5561C>T (p.Ser1854Leu)

Gene: NEB (nebulin; minus strand). Cytogenetic location: 2q23.3.
Variant type: single nucleotide variant.
Coding change: c.5561C>T on transcript NM_001164508.2 (MANE Select); coding-DNA position 5561, C replaced by T.
Protein change: p.Ser1854Leu; replaces serine 1854 with leucine.
Molecular consequence: missense variant.
Genome position (GRCh38, 1-based): chr2:151,663,750, G>A on the plus strand (C>T on the coding strand, the complement: NEB is on the minus strand). VCF-style: chr2-151663750-G-A. GRCh37 (hg19) VCF-style: chr2-152520264-G-A.
Other names: c.5561C>T, p.Ser1854Leu (NM_001164507.2, NM_001271208.2, NM_004543.5); short protein forms S1854L.
Identifiers: ClinVar variation 465615 (VCV000465615.12), dbSNP rs1553485582, ClinGen allele CA348808536.